The following is an entry in ClinVar:

ClinVar aggregate classification (germline): Uncertain significance. Review status: criteria provided, multiple submitters, no conflicts (2 of 4 stars). 3 submissions from 3 submitters: Uncertain significance (3). Last evaluated 2025-12-08.

Conditions:
Developmental and epileptic encephalopathy, 36 (DEE36). Also called: Congenital disorder of glycosylation, type Is; Epileptic encephalopathy, early infantile, 36; ALG13-CDG. Identifiers: Orphanet 324422, MedGen C4317295, MONDO:0010472, OMIM 300884.

Allele frequency attached by ClinVar (database versions not stated): gnomAD 0.00001; gnomAD exomes 0.00001 and 0.00005; ExAC 0.00002; TOPMed 0.00004.
gnomAD v4.1: 56 of 1,209,115 alleles (0.0046%); highest among the groups gnomAD compares: African/African-American, 0.0088%; no homozygotes.

Submissions (3):

Labcorp Genetics (formerly Invitae), Labcorp
Classification: Uncertain significance for Developmental and epileptic encephalopathy, 36. Last evaluated: 2025-12-08. Review status: criteria provided, single submitter. Criteria: Invitae Variant Classification Sherloc (09022015). Collection method: clinical testing. Allele origin: germline.
Comment: This sequence change replaces serine, which is neutral and polar, with proline, which is neutral and non-polar, at codon 865 of the ALG13 protein (p.Ser865Pro). The frequency data for this variant in the population databases is considered unreliable, as metrics indicate poor data quality at this position in the gnomAD database. This variant has not been reported in the literature in individuals affected with ALG13-related conditions. ClinVar contains an entry for this variant (Variation ID: 949852). Invitae Evidence Modeling of protein sequence and biophysical properties (such as structural, functional, and spatial information, amino acid conservation, physicochemical variation, residue mobility, and thermodynamic stability) indicates that this missense variant is not expected to disrupt ALG13 protein function with a negative predictive value of 95%. In summary, the available evidence is currently insufficient to determine the role of this variant in disease. Therefore, it has been classified as a Variant of Uncertain Significance.

Fulgent Genetics
Classification: Uncertain significance for Developmental and epileptic encephalopathy, 36. Last evaluated: 2021-12-31. Review status: criteria provided, single submitter. Criteria: ACMG Guidelines, 2015. Collection method: clinical testing. Allele origin: unknown.

Breakthrough Genomics
Classification: Uncertain significance. Review status: criteria provided, single submitter. Criteria: ACMG Guidelines, 2015. Collection method: not provided. Allele origin: germline. Inheritance: X-linked inheritance. Affected: yes.

NM_001099922.3(ALG13):c.2593T>C (p.Ser865Pro)

Gene: ALG13 (ALG13 UDP-N-acetylglucosaminyltransferase subunit; plus strand). Cytogenetic location: Xq23.
Variant type: single nucleotide variant.
Coding change: c.2593T>C on transcript NM_001099922.3 (MANE Select); coding-DNA position 2593, T replaced by C.
Protein change: p.Ser865Pro; replaces serine 865 with proline.
Molecular consequence: missense variant. On other transcripts: non-coding transcript variant (1).
Genome position (GRCh38, 1-based): chrX:111,736,777, T>C. VCF-style: chrX-111736777-T-C. GRCh37 (hg19) VCF-style: chrX-110980005-T-C.
Other names: c.2281T>C, p.Ser761Pro (NM_001257230.2, NM_001257234.2, NM_001257237.2); c.2359T>C, p.Ser787Pro (NM_001257231.2); c.2593T>C, p.Ser865Pro (NM_001324292.2); c.2107T>C, p.Ser703Pro (NM_001324293.1); short protein forms S703P, S865P, S761P, S787P.
Identifiers: ClinVar variation 949852 (VCV000949852.12), dbSNP rs199990990, ClinGen allele CA10493940.
Genomic context (GRCh38, chrX:111,736,777, plus strand): 5'-ATGGGAAATATTGCAGCAGTTGCAGCTTCCTGTGCCAATAATGTTCCAGCTCCAGTCTTA[T>C]CTAACGGTGCAGCGGCTAATCAAGCTATTAGTACCACTTCAGTTTCCTCACAGAATGCTA-3'
Protein context (NP_001093392.1, residues 855-875): CANNVPAPVL[Ser865Pro]NGAAANQAIS